The following is an entry in ClinVar:

ClinVar aggregate classification (germline): Uncertain significance. Review status: criteria provided, multiple submitters, no conflicts (2 of 4 stars). 3 submissions from 3 submitters: Uncertain significance (3). Last evaluated 2026-09-25.

Conditions:
Congenital lactic acidosis, Saguenay-Lac-Saint-Jean type (MC4DN5). Also called: CYTOCHROME c OXIDASE DEFICIENCY, FRENCH CANADIAN TYPE; COX DEFICIENCY, FRENCH CANADIAN TYPE; MITOCHONDRIAL COMPLEX IV DEFICIENCY, NUCLEAR TYPE 5. Identifiers: Orphanet 70472, MedGen C1857355, MONDO:0009069, OMIM 220111.

Allele frequency attached by ClinVar (database versions not stated): gnomAD 0.00007; gnomAD exomes 0.00025 and 0.00002; TOPMed 0.00017.

Submissions (3):

GeneDx
Classification: Uncertain significance. Last evaluated: 2026-09-25. Review status: criteria provided, single submitter. Criteria: GeneDx Variant Classification Process June 2021. Collection method: clinical testing. Allele origin: germline.
Comment: In silico analysis suggests that this missense variant does not alter protein structure/function; Has not been previously published as pathogenic or benign to our knowledge

Labcorp Genetics (formerly Invitae), Labcorp
Classification: Uncertain significance. Last evaluated: 2022-10-17. Review status: criteria provided, single submitter. Criteria: Invitae Variant Classification Sherloc (09022015). Collection method: clinical testing. Allele origin: germline.
Comment: This sequence change replaces tyrosine, which is neutral and polar, with cysteine, which is neutral and slightly polar, at codon 39 of the LRPPRC protein (p.Tyr39Cys). This variant is present in population databases (no rsID available, gnomAD 0.1%). This variant has not been reported in the literature in individuals affected with LRPPRC-related conditions. ClinVar contains an entry for this variant (Variation ID: 1032385). Algorithms developed to predict the effect of missense changes on protein structure and function output the following: SIFT: "Tolerated"; PolyPhen-2: "Benign"; Align-GVGD: "Class C0". The cysteine amino acid residue is found in multiple mammalian species, which suggests that this missense change does not adversely affect protein function. In summary, the available evidence is currently insufficient to determine the role of this variant in disease. Therefore, it has been classified as a Variant of Uncertain Significance.

Baylor Genetics
Classification: Uncertain significance for Congenital lactic acidosis, Saguenay-Lac-Saint-Jean type. Last evaluated: 2018-10-16. Review status: criteria provided, single submitter. Criteria: ACMG Guidelines, 2015. Collection method: clinical testing. Allele origin: unknown. Affected: yes.
Comment: This variant was determined to be of uncertain significance according to ACMG Guidelines, 2015 [PMID:25741868].

NM_133259.4(LRPPRC):c.116A>G (p.Tyr39Cys)

Gene: LRPPRC (leucine rich pentatricopeptide repeat containing; minus strand). Cytogenetic location: 2p21.
Variant type: single nucleotide variant.
Coding change: c.116A>G on transcript NM_133259.4 (MANE Select); coding-DNA position 116, A replaced by G.
Protein change: p.Tyr39Cys; replaces tyrosine 39 with cysteine.
Molecular consequence: missense variant.
Genome position (GRCh38, 1-based): chr2:43,995,832, T>C on the plus strand (A>G on the coding strand, the complement: LRPPRC is on the minus strand). VCF-style: chr2-43995832-T-C. GRCh37 (hg19) VCF-style: chr2-44222971-T-C.
Other names: short protein forms Y39C.
Identifiers: ClinVar variation 1032385 (VCV001032385.6), dbSNP rs1014582333, ClinGen allele CA46458323.